The following is an entry in ClinVar:

ClinVar aggregate classification (germline): Uncertain significance. Review status: criteria provided, multiple submitters, no conflicts (2 of 4 stars). 2 submissions from 2 submitters: Uncertain significance (2). Last evaluated 2023-11-15.

Conditions:
Microcephaly, normal intelligence and immunodeficiency (NBS). Also called: SEEMANOVA SYNDROME II; IMMUNODEFICIENCY, MICROCEPHALY, AND CHROMOSOMAL INSTABILITY; Immunodeficiency, microcephaly with normal intelligence; BERLIN BREAKAGE SYNDROME; Nijmegen breakage syndrome; Microcephaly with normal intelligence immunodeficiency and lymphoreticular malignancies. Identifiers: Orphanet 647, MedGen C0398791, MONDO:0009623, OMIM 251260.
Hereditary cancer-predisposing syndrome. Also called: Hereditary neoplastic syndrome; Tumor predisposition; Neoplastic Syndromes, Hereditary; Hereditary Cancer Syndrome. Identifiers: Orphanet 140162, MedGen C0027672, MeSH D009386, MONDO:0015356.

Submissions (2):

Ambry Genetics
Classification: Uncertain significance for Hereditary cancer-predisposing syndrome. Last evaluated: 2023-11-15. Review status: criteria provided, single submitter. Criteria: Ambry Variant Classification Scheme 2023. Collection method: clinical testing. Allele origin: germline.
Comment: The p.A400G variant (also known as c.1199C>G), located in coding exon 10 of the NBN gene, results from a C to G substitution at nucleotide position 1199. The alanine at codon 400 is replaced by glycine, an amino acid with similar properties. This amino acid position is conserved. In addition, this alteration is predicted to be tolerated by in silico analysis. Since supporting evidence is limited at this time, the clinical significance of this alteration remains unclear.

Labcorp Genetics (formerly Invitae), Labcorp
Classification: Uncertain significance for Microcephaly, normal intelligence and immunodeficiency. Last evaluated: 2019-03-02. Review status: criteria provided, single submitter. Criteria: Invitae Variant Classification Sherloc (09022015). Collection method: clinical testing. Allele origin: germline.
Comment: In summary, the available evidence is currently insufficient to determine the role of this variant in disease. Therefore, it has been classified as a Variant of Uncertain Significance. Algorithms developed to predict the effect of missense changes on protein structure and function (SIFT, PolyPhen-2, Align-GVGD) all suggest that this variant is likely to be tolerated, but these predictions have not been confirmed by published functional studies and their clinical significance is uncertain. This variant has not been reported in the literature in individuals with NBN-related conditions. This variant is not present in population databases (ExAC no frequency). This sequence change replaces alanine with glycine at codon 400 of the NBN protein (p.Ala400Gly). The alanine residue is weakly conserved and there is a small physicochemical difference between alanine and glycine.

NM_002485.5(NBN):c.1199C>G (p.Ala400Gly)

Gene: NBN (nibrin; minus strand). Cytogenetic location: 8q21.3.
Variant type: single nucleotide variant.
Coding change: c.1199C>G on transcript NM_002485.5 (MANE Select); coding-DNA position 1199, C replaced by G.
Protein change: p.Ala400Gly; replaces alanine 400 with glycine.
Molecular consequence: missense variant.
Genome position (GRCh38, 1-based): chr8:89,955,481, G>C on the plus strand (C>G on the coding strand, the complement: NBN is on the minus strand). VCF-style: chr8-89955481-G-C. GRCh37 (hg19) VCF-style: chr8-90967709-G-C.
Other names: c.953C>G, p.Ala318Gly (NM_001024688.3); short protein forms A400G, A318G.
Identifiers: ClinVar variation 859064 (VCV000859064.10), dbSNP rs779218232, ClinGen allele CA371656372.
Genomic context (GRCh38, chr8:89,955,481, plus strand): 5'-GTATTTGATACCATACTATTATTATTAGAGCTTGTTTTGCAGGACTCCTTTACAGTGGGT[G>C]CATCTTGTGAAAGCATTCTGAATTTTTGTTCCATTTTGGAGACTTTGATTTCTTTTGGCC-3'
Protein context (NP_002476.2, residues 390-410): EQKFRMLSQD[Ala400Gly]PTVKESCKTS